The following is an entry in ClinVar:

NM_014000.3(VCL):c.1543+1G>T

Gene: VCL (vinculin; plus strand). Cytogenetic location: 10q22.2.
Variant type: single nucleotide variant.
Coding change: c.1543+1G>T on transcript NM_014000.3 (MANE Select); the canonical splice donor site of the intron after coding-DNA position 1543, G replaced by T.
Molecular consequence: splice donor variant.
Genome position (GRCh38, 1-based): chr10:74,094,462, G>T. VCF-style: chr10-74094462-G-T. GRCh37 (hg19) VCF-style: chr10-75854220-G-T.
Other names: c.1543+1G>T (NM_003373.4).
Identifiers: ClinVar variation 1712707 (VCV001712707.5), dbSNP rs2549225466, ClinGen allele CA377274043.
Genomic context (GRCh38, chr10:74,094,462, plus strand): 5'-GCAAGATTGAGCAAGCACAGCGGTGGATTGATAATCCCACAGTGGATGACCGTGGAGTCG[G>T]TAAGGGCAGCAGTGCACTATAACCTCATTAAATTGGTCTCAGTGCAAATAAGCAAGTTGT-3'

ClinVar aggregate classification (germline): Uncertain significance. Review status: criteria provided, multiple submitters, no conflicts (2 of 4 stars). 2 submissions from 2 submitters: Uncertain significance (2). Last evaluated 2023-12-24.

Conditions:
Dilated cardiomyopathy 1W (CMD1W). Identifiers: Orphanet 154, MedGen C1969639, MONDO:0012667, OMIM 611407.

Submissions (2):

Labcorp Genetics (formerly Invitae), Labcorp
Classification: Uncertain significance for Dilated cardiomyopathy 1W. Last evaluated: 2023-12-24. Review status: criteria provided, single submitter. Criteria: Invitae Variant Classification Sherloc (09022015). Collection method: clinical testing. Allele origin: germline.
Comment: This sequence change affects a donor splice site in intron 11 of the VCL gene. It is expected to disrupt RNA splicing. Variants that disrupt the donor or acceptor splice site typically lead to a loss of protein function (PMID: 16199547), however the current clinical and genetic evidence is not sufficient to establish whether loss-of-function variants in VCL cause disease. This variant is not present in population databases (gnomAD no frequency). Disruption of this splice site has been observed in individual(s) with dilated cardiomyopathy (PMID: 32516855). ClinVar contains an entry for this variant (Variation ID: 1712707). Algorithms developed to predict the effect of sequence changes on RNA splicing suggest that this variant may disrupt the consensus splice site. In summary, the available evidence is currently insufficient to determine the role of this variant in disease. Therefore, it has been classified as a Variant of Uncertain Significance.

GeneDx
Classification: Uncertain significance. Last evaluated: 2022-10-20. Review status: criteria provided, single submitter. Criteria: GeneDx Variant Classification Process June 2021. Collection method: clinical testing. Allele origin: germline. Affected: yes.
Comment: Reported in a patient with DCM in the published literature (Hawley et al., 2020); Not observed at significant frequency in large population cohorts (gnomAD); Canonical splice site variant in a gene or region of a gene for which loss of function is not a well-established mechanism of disease; This variant is associated with the following publications: (PMID: 32516855)

Literature cited by the submitters: PubMed 16199547 (cited by Labcorp Genetics (formerly Invitae), Labcorp); PubMed 32516855 (cited by Labcorp Genetics (formerly Invitae), Labcorp).